The following is an entry in ClinVar:

ClinVar aggregate classification (germline): Benign. Review status: criteria provided, multiple submitters, no conflicts (2 of 4 stars). 2 submissions from 2 submitters: Benign (2). Last evaluated 2019-04-19.

Allele frequency attached by ClinVar (database versions not stated): 1000 Genomes Project 0.03215; 1000 Genomes Project 30x 0.03451; gnomAD 0.06777 and 0.06933; TOPMed 0.06857; ExAC 0.07028; gnomAD exomes 0.07029; ESP Exome Variant Server 0.07858.
gnomAD v4.1: 147,955 of 1,611,220 alleles (9.2%); highest among the groups gnomAD compares: Non-Finnish European, 11%; 7,834 homozygotes.

Submissions (2):

GeneDx
Classification: Benign. Last evaluated: 2019-04-19. Review status: criteria provided, single submitter. Criteria: GeneDx Variant Classification Process June 2021. Collection method: clinical testing. Allele origin: germline. Affected: yes.
Comment: This variant is associated with the following publications: (PMID: 31658403, 30389748)

Breakthrough Genomics
Classification: Benign. Review status: criteria provided, single submitter. Criteria: ACMG Guidelines, 2015. Collection method: not provided. Allele origin: germline. Inheritance: Unknown mechanism. Affected: yes.

NM_032326.4(TMEM175):c.194A>C (p.Gln65Pro)

Gene: TMEM175 (transmembrane protein 175; plus strand). Cytogenetic location: 4p16.3.
Variant type: single nucleotide variant.
Coding change: c.194A>C on transcript NM_032326.4 (MANE Select); coding-DNA position 194, A replaced by C.
Protein change: p.Gln65Pro; replaces glutamine 65 with proline.
Molecular consequence: missense variant. On other transcripts: 5 prime UTR variant (5), splice acceptor variant (1).
Genome position (GRCh38, 1-based): chr4:950,422, A>C. VCF-style: chr4-950422-A-C. GRCh37 (hg19) VCF-style: chr4-944210-A-C.
Other names: c.-53A>C (NM_001297423.2, NM_001297424.2); c.-191A>C (NM_001297426.2, NM_001297427.2, NM_001297428.2); c.-51-2A>C (NM_001297425.2); short protein forms Q65P.
Identifiers: ClinVar variation 1178472 (VCV001178472.3), dbSNP rs34884217, ClinGen allele CA2799089.